The following is an entry in ClinVar:

NM_001844.5(COL2A1):c.379C>A (p.Pro127Thr)

Gene: COL2A1 (collagen type II alpha 1 chain; minus strand). Cytogenetic location: 12q13.11.
Variant type: single nucleotide variant.
Coding change: c.379C>A on transcript NM_001844.5 (MANE Select); coding-DNA position 379, C replaced by A.
Protein change: p.Pro127Thr; replaces proline 127 with threonine.
Molecular consequence: missense variant.
Genome position (GRCh38, 1-based): chr12:47,997,921, G>T on the plus strand (C>A on the coding strand, the complement: COL2A1 is on the minus strand). VCF-style: chr12-47997921-G-T. GRCh37 (hg19) VCF-style: chr12-48391704-G-T.
Other names: c.172C>A, p.Pro58Thr (NM_033150.3); short protein forms P127T, P58T.
Identifiers: ClinVar variation 4772686 (VCV004772686.1).

ClinVar aggregate classification (germline): Uncertain significance (1 of 4 stars; one submission).

gnomAD v4.1: 1 of 1,614,134 alleles (0.000062%); highest among the groups gnomAD compares: Non-Finnish European, 0.000085%; no homozygotes.

Submission:

Labcorp Genetics (formerly Invitae), Labcorp
Classification: Uncertain significance. Last evaluated: 2025-09-04. Review status: criteria provided, single submitter. Criteria: Invitae Variant Classification Sherloc (09022015). Collection method: clinical testing. Allele origin: germline.
Comment: This sequence change replaces proline, which is neutral and non-polar, with threonine, which is neutral and polar, at codon 127 of the COL2A1 protein (p.Pro127Thr). This variant is not present in population databases (gnomAD no frequency). This variant has not been reported in the literature in individuals affected with COL2A1-related conditions. Invitae Evidence Modeling of protein sequence and biophysical properties (such as structural, functional, and spatial information, amino acid conservation, physicochemical variation, residue mobility, and thermodynamic stability) has been performed for this missense variant. However, the output from this modeling did not meet the statistical confidence thresholds required to predict the impact of this variant on COL2A1 protein function. In summary, the available evidence is currently insufficient to determine the role of this variant in disease. Therefore, it has been classified as a Variant of Uncertain Significance.